The following is an entry in ClinVar:

NM_002299.4(LCT):c.2137G>A (p.Val713Met)

Gene: LCT (lactase; minus strand). Cytogenetic location: 2q21.3.
Variant type: single nucleotide variant.
Coding change: c.2137G>A on transcript NM_002299.4 (MANE Select); coding-DNA position 2137, G replaced by A.
Protein change: p.Val713Met; replaces valine 713 with methionine.
Molecular consequence: missense variant.
Genome position (GRCh38, 1-based): chr2:135,812,527, C>T on the plus strand (G>A on the coding strand, the complement: LCT is on the minus strand). VCF-style: chr2-135812527-C-T. GRCh37 (hg19) VCF-style: chr2-136570097-C-T.
Other names: short protein forms V713M.
Identifiers: ClinVar variation 1430906 (VCV001430906.7), dbSNP rs371436630, ClinGen allele CA1888289.

ClinVar aggregate classification (germline): Uncertain significance (1 of 4 stars; one submission).

Allele frequency attached by ClinVar (database versions not stated): gnomAD exomes below 0.00001 and 0.00001; gnomAD 0.00001; ExAC 0.00002; TOPMed 0.00002; ESP Exome Variant Server 0.00008.
gnomAD v4.1: 5 of 1,613,960 alleles (0.00031%); highest among the groups gnomAD compares: African/African-American, 0.0027%; no homozygotes.

Submission:

Labcorp Genetics (formerly Invitae), Labcorp
Classification: Uncertain significance. Last evaluated: 2022-08-19. Review status: criteria provided, single submitter. Criteria: Invitae Variant Classification Sherloc (09022015). Collection method: clinical testing. Allele origin: germline.
Comment: This variant is present in population databases (rs371436630, gnomAD 0.007%). This variant has not been reported in the literature in individuals affected with LCT-related conditions. This sequence change replaces valine, which is neutral and non-polar, with methionine, which is neutral and non-polar, at codon 713 of the LCT protein (p.Val713Met). ClinVar contains an entry for this variant (Variation ID: 1430906). Algorithms developed to predict the effect of missense changes on protein structure and function output the following: SIFT: "Not Available"; PolyPhen-2: "Benign"; Align-GVGD: "Not Available". The methionine amino acid residue is found in multiple mammalian species, which suggests that this missense change does not adversely affect protein function. In summary, the available evidence is currently insufficient to determine the role of this variant in disease. Therefore, it has been classified as a Variant of Uncertain Significance.